The following is an entry in ClinVar:

ClinVar aggregate classification (germline): Uncertain significance (1 of 4 stars; one submission).

Submission:

Greenwood Genetic Center Diagnostic Laboratories, Greenwood Genetic Center
Classification: Uncertain significance. Last evaluated: 2024-06-21. Review status: criteria provided, single submitter. Criteria: ACMG Guidelines, 2015. Collection method: clinical testing. Allele origin: germline. Affected: yes.
Comment: PM2, PP2

NM_004187.5(KDM5C):c.1011C>G (p.Asp337Glu)

Gene: KDM5C (lysine demethylase 5C; minus strand). Cytogenetic location: Xp11.22.
Variant type: single nucleotide variant.
Coding change: c.1011C>G on transcript NM_004187.5 (MANE Select); coding-DNA position 1011, C replaced by G.
Protein change: p.Asp337Glu; replaces aspartic acid 337 with glutamic acid.
Molecular consequence: missense variant. On other transcripts: non-coding transcript variant (3).
Genome position (GRCh38, 1-based): chrX:53,214,800, G>C on the plus strand (C>G on the coding strand, the complement: KDM5C is on the minus strand). VCF-style: chrX-53214800-G-C. GRCh37 (hg19) VCF-style: chrX-53243982-G-C.
Other names: c.810C>G, p.Asp270Glu (NM_001146702.2); c.1008C>G, p.Asp336Glu (NM_001282622.3, NM_001353979.2, NM_001353982.2); c.1011C>G, p.Asp337Glu (NM_001353978.3, NM_001353981.2, NM_001353984.2); short protein forms D270E, D336E, D337E.
Identifiers: ClinVar variation 3338575 (VCV003338575.1).